The following is an entry in ClinVar:

NM_003052.5(SLC34A1):c.1879del (p.Arg627fs)

Gene: SLC34A1 (solute carrier family 34 member 1; plus strand). Cytogenetic location: 5q35.3.
Variant type: Deletion.
Coding change: c.1879del on transcript NM_003052.5 (MANE Select); coding-DNA position 1879, one base deleted (C; older notation c.1879delC).
Protein change: p.Arg627fs; shifts the reading frame from arginine 627.
Molecular consequence: frameshift variant.
Genome position (GRCh38, 1-based): chr5:177,398,245, C deleted; the last of 6 consecutive C bases (chr5:177,398,240-177,398,245); deleting any one gives the same sequence. VCF-style (leftmost placement, unchanged base first): chr5-177398239-TC-T. GRCh37 (hg19) VCF-style: chr5-176825240-TC-T.
Other names: c.1874delC (NM_003052.5); short protein forms R627fs.
Identifiers: ClinVar variation 4526811 (VCV004526811.1).

ClinVar aggregate classification (germline): Likely pathogenic (1 of 4 stars; one submission).

Conditions:
Fanconi renotubular syndrome 2 (FRTS2). Identifiers: MedGen C3150652, MONDO:0013247, OMIM 613388.
Hypophosphatemic nephrolithiasis/osteoporosis 1. Identifiers: Orphanet 244305, MedGen C2676786, MONDO:0012850, OMIM 612286.
Hypercalcemia, infantile, 2 (HCINF2). Identifiers: Orphanet 300547, MedGen C4310473, MONDO:0014851, OMIM 616963.

Submission:

Rare Kidney Stone Consortium and the Mayo Clinic Hyperoxaluria Center, Mayo Clinic
Classification: Likely pathogenic for Fanconi renotubular syndrome 2; Hypercalcemia, infantile, 2; Hypophosphatemic nephrolithiasis/osteoporosis 1. Last evaluated: 2025-10-03. Review status: criteria provided, single submitter. Criteria: ACMG Guidelines, 2015. Collection method: research. Allele origin: germline. Affected: yes. Observed: 1 variant allele.
Comment: ACMG:PVS1, PM2, PM6, PP4

Literature cited by the submitters: PubMed 40794449.